The following is an entry in ClinVar:

ClinVar aggregate classification (germline): Uncertain significance. Review status: criteria provided, multiple submitters, no conflicts (2 of 4 stars). 2 submissions from 2 submitters: Uncertain significance (2). Last evaluated 2025-02-15.

Conditions:
Ornithine carbamoyltransferase deficiency (OTCD). Also called: ORNITHINE TRANSCARBAMYLASE DEFICIENCY; ORNITHINE TRANSCARBAMYLASE DEFICIENCY, HYPERAMMONEMIA DUE TO; OTC DEFICIENCY; Ornithine Carbamoyltransferase Deficiency Disease. Identifiers: Orphanet 664, MedGen C0268542, MONDO:0010703, OMIM 311250.

Allele frequency attached by ClinVar (database versions not stated): TOPMed below 0.00001.

Submissions (2):

Labcorp Genetics (formerly Invitae), Labcorp
Classification: Uncertain significance for Ornithine carbamoyltransferase deficiency. Last evaluated: 2025-02-15. Review status: criteria provided, single submitter. Criteria: Invitae Variant Classification Sherloc (09022015). Collection method: clinical testing. Allele origin: germline.
Comment: This sequence change falls in intron 9 of the OTC gene. It does not directly change the encoded amino acid sequence of the OTC protein. It affects a nucleotide within the consensus splice site. This variant is not present in population databases (gnomAD no frequency). This variant has not been reported in the literature in individuals affected with OTC-related conditions. ClinVar contains an entry for this variant (Variation ID: 3075103). Variants that disrupt the consensus splice site are a relatively common cause of aberrant splicing (PMID: 17576681, 9536098). Algorithms developed to predict the effect of sequence changes on RNA splicing suggest that this variant may disrupt the consensus splice site. In summary, the available evidence is currently insufficient to determine the role of this variant in disease. Therefore, it has been classified as a Variant of Uncertain Significance.

All of Us Research Program, National Institutes of Health
Classification: Uncertain significance for Ornithine carbamoyltransferase deficiency. Last evaluated: 2023-12-18. Review status: criteria provided, single submitter. Criteria: ACMG Guidelines, 2015. Collection method: clinical testing. Allele origin: germline. Inheritance: X-linked inheritance. Observed: 1 variant allele, 1 heterozygote.
Comment: This variant causes a G to A nucleotide substitution at the +5 position of intron 9 of the OTC gene. Splice site prediction tools predict that this variant may have a significant impact on RNA splicing. To our knowledge, RNA studies have not been reported for this variant. This variant has not been reported in individuals affected with OTC-related disorders in the literature. This variant has not been identified in the general population by the Genome Aggregation Database (gnomAD). The available evidence is insufficient to determine the role of this variant in disease conclusively. Therefore, this variant is classified as a Variant of Uncertain Significance.

This study involves interpretation of variants in research participants for the purpose of population health screening. Participant phenotype was not available at the time of variant classification. Additional details can be found in publication PMID: 35346344, PMCID: PMC8962531

Literature cited by the submitters: PubMed 17576681 (cited by Labcorp Genetics (formerly Invitae), Labcorp); PubMed 9536098 (cited by Labcorp Genetics (formerly Invitae), Labcorp).

NM_000531.6(OTC):c.1005+5G>A

Gene: OTC (ornithine transcarbamylase; plus strand). Cytogenetic location: Xp11.4.
Variant type: single nucleotide variant.
Coding change: c.1005+5G>A on transcript NM_000531.6 (MANE Select); 5 bases into the intron after coding-DNA position 1005, G replaced by A.
Molecular consequence: intron variant.
Genome position (GRCh38, 1-based): chrX:38,412,004, G>A. VCF-style: chrX-38412004-G-A. GRCh37 (hg19) VCF-style: chrX-38271257-G-A.
Other names: c.1005+5G>A (NM_001407092.1).
Identifiers: ClinVar variation 3075103 (VCV003075103.2), dbSNP rs938102010, ClinGen allele CA327913259.
Genomic context (GRCh38, chrX:38,412,004, plus strand): 5'-ATTCTCCTCGATCACTAGTGTTCCCAGAGGCAGAAAACAGAAAGTGGACAATCATGGTAA[G>A]CAAGAAACAAGGAATGGAGGATAAGTTCTTTGTGTGGTTCCAACTTGGTCATTCATGCCT-3'